The following is an entry in ClinVar:

NM_006593.4(TBR1):c.1648_1657dup (p.Tyr553fs)

Gene: TBR1 (T-box brain transcription factor 1; plus strand). Cytogenetic location: 2q24.2.
Variant type: Duplication.
Coding change: c.1648_1657dup on transcript NM_006593.4 (MANE Select); coding-DNA positions 1648 to 1657, 10 bases duplicated (CCCCCGCAGT; older notation c.1648_1657dupCCCCCGCAGT).
Protein change: p.Tyr553fs; shifts the reading frame from tyrosine 553.
Molecular consequence: frameshift variant.
Genome position (GRCh38, 1-based): chr2:161,423,826-161,423,835, CCCCCGCAGT duplicated; duplicating any 10 consecutive bases within chr2:161,423,818-161,423,835 gives the same sequence; the c. name uses the placement nearest the transcript's 3' end. VCF-style (leftmost placement, unchanged base first): chr2-161423817-G-GCCCGCAGTCC. GRCh37 (hg19) VCF-style: chr2-162280328-G-GCCCGCAGTCC.
Other names: short protein forms Y553fs.
Identifiers: ClinVar variation 3340870 (VCV003340870.1).

ClinVar aggregate classification (germline): Pathogenic (1 of 4 stars; one submission).

Submission:

GeneDx
Classification: Pathogenic. Last evaluated: 2023-10-13. Review status: criteria provided, single submitter. Criteria: GeneDx Variant Classification Process June 2021. Collection method: clinical testing. Allele origin: germline. Affected: yes.
Comment: Frameshift variant predicted to result in abnormal protein length as the last 130 amino acids are replaced with 123 different amino acids, and other similar variants have been reported in HGMD; Not observed at significant frequency in large population cohorts (gnomAD); This variant is associated with the following publications: (PMID: 35837997)